The following is an entry in ClinVar:

NM_005859.5(PURA):c.382C>T (p.Gln128Ter)

Genes: PURA (purine rich element binding protein A; plus strand), LOC129994826 (ATAC-STARR-seq lymphoblastoid active region 23260; plus strand). Cytogenetic location: 5q31.3.
Variant type: single nucleotide variant.
Coding change: c.382C>T on transcript NM_005859.5 (MANE Select); coding-DNA position 382, C replaced by T.
Protein change: p.Gln128Ter; replaces glutamine 128 with a stop codon.
Molecular consequence: nonsense.
Genome position (GRCh38, 1-based): chr5:140,114,563, C>T. VCF-style: chr5-140114563-C-T. GRCh37 (hg19) VCF-style: chr5-139494148-C-T.
Other names: short protein forms Q128*.
Identifiers: ClinVar variation 3776332 (VCV003776332.1).

ClinVar aggregate classification (germline): Pathogenic (1 of 4 stars; one submission).

Submission:

GeneDx
Classification: Pathogenic. Last evaluated: 2024-10-07. Review status: criteria provided, single submitter. Criteria: GeneDx Variant Classification Process June 2021. Collection method: clinical testing. Allele origin: germline. Affected: yes.
Comment: Nonsense variant predicted to result in protein truncation or nonsense mediated decay in a gene for which loss of function is a known mechanism of disease; Not observed at significant frequency in large population cohorts (gnomAD); This variant is associated with the following publications: (PMID: 33633953, 29150892, 29097605)